The following is an entry in ClinVar:

NM_007294.4(BRCA1):c.2213T>G (p.Val738Gly)

Gene: BRCA1 (BRCA1 DNA repair associated; minus strand). Cytogenetic location: 17q21.31.
Variant type: single nucleotide variant.
Coding change: c.2213T>G on transcript NM_007294.4 (MANE Select); coding-DNA position 2213, T replaced by G.
Protein change: p.Val738Gly; replaces valine 738 with glycine.
Molecular consequence: missense variant. On other transcripts: intron variant (137).
Genome position (GRCh38, 1-based): chr17:43,093,318, A>C on the plus strand (T>G on the coding strand, the complement: BRCA1 is on the minus strand). VCF-style: chr17-43093318-A-C. GRCh37 (hg19) VCF-style: chr17-41245335-A-C.
Other names: c.784+1426T>G (NM_001408401.1, NM_001408396.1, NM_001407985.1 and 13 more transcripts); c.548-2286T>G (NM_001408494.1); c.664+1426T>G (NM_001408444.1, NM_001408438.1, NM_001408430.1 and 12 more transcripts); c.671-2286T>G (NM_001408423.1, NM_001408420.1, NM_001408419.1 and 2 more transcripts); c.787+1426T>G (NM_001408404.1, NM_001408472.1, NM_001407990.1 and 17 more transcripts); c.788-1179T>G (NM_001407969.1, NM_001407968.1); c.577+1426T>G (NM_001408492.1, NM_001408513.1, NM_001408489.1 and 9 more transcripts); c.643+1426T>G (NM_001408468.1, NM_001408465.1, NM_001408463.1 and 3 more transcripts); and 41 more; short protein forms V442G, V570G, V610G, V611G, V626G, V627G, V649G, V650G.
Identifiers: ClinVar variation 4813451 (VCV004813451.1).

ClinVar aggregate classification (germline): Uncertain significance (1 of 4 stars; one submission).

Conditions:
Breast-ovarian cancer, familial, susceptibility to, 1 (BROVCA1). Also called: OVARIAN CANCER, SUSCEPTIBILITY TO; BRCA1 Hereditary Breast and Ovarian Cancer. Identifiers: Orphanet 145, MedGen C2676676, MONDO:0011450, OMIM 604370. Disease mechanism: loss of function.

Submission:

MVZ Praenatalmedizin und Genetik Nuernberg
Classification: Uncertain significance for Breast-ovarian cancer, familial, susceptibility to, 1. Last evaluated: 2024-09-17. Review status: criteria provided, single submitter. Criteria: ACMG Guidelines, 2015. Collection method: clinical testing. Allele origin: germline. Affected: yes.
Comment: This very rare variant (gnomAD v2: 0 alleles) has not yet been described in the ClinVar database. The literature review did not reveal any information relevant to the classification and no functional analyses are available to date. Although computer-assisted splicing predictions (in silico) assess the variant as pathogenic, this is not yet sufficient for classification. In summary, based on the current data, we assess this variant as having unclear clinical significance (VUS).